The following is an entry in ClinVar:

NM_004519.4(KCNQ3):c.1958A>C (p.Gln653Pro)

Gene: KCNQ3 (potassium voltage-gated channel subfamily Q member 3; minus strand). Cytogenetic location: 8q24.22.
Variant type: single nucleotide variant.
Coding change: c.1958A>C on transcript NM_004519.4 (MANE Select); coding-DNA position 1958, A replaced by C.
Protein change: p.Gln653Pro; replaces glutamine 653 with proline.
Molecular consequence: missense variant.
Genome position (GRCh38, 1-based): chr8:132,129,923, T>G on the plus strand (A>C on the coding strand, the complement: KCNQ3 is on the minus strand). VCF-style: chr8-132129923-T-G. GRCh37 (hg19) VCF-style: chr8-133142170-T-G.
Other names: c.1598A>C, p.Gln533Pro (NM_001204824.2); c.1958A>C (NM_004519.3); short protein forms Q653P, Q533P.
Identifiers: ClinVar variation 2759551 (VCV002759551.4), dbSNP rs554833870, ClinGen allele CA4880532.
Genomic context (GRCh38, chr8:132,129,923, plus strand): 5'-TCCTTCTTCTCTGCTTCAGCTGGCGAGGAGGTGCCCTTGGTTGGGTAATACTCCGTGACC[T>G]GCACCTGCAACCGTTCCATGTGTTGCATGTGCATATCCACGAGGAAGTCCAGCTTCTTCC-3'
Protein context (NP_004510.1, residues 643-663): HMQHMERLQV[Gln653Pro]VTEYYPTKGT

ClinVar aggregate classification (germline): Uncertain significance. Review status: criteria provided, multiple submitters, no conflicts (2 of 4 stars). 2 submissions from 2 submitters: Uncertain significance (2). Last evaluated 2024-11-09.

Conditions:
Benign neonatal seizures. Also called: Autosomal dominant form of benign neonatal seizures; Benign neonatal familial convulsions; Benign familial neonatal epilepsy; Benign familial neonatal seizures; Convulsions benign familial neonatal dominant form. Identifiers: Orphanet 1949, MedGen C0220669, MONDO:0016027.

gnomAD v4.1: 1 of 1,614,104 alleles (0.000062%); highest among the groups gnomAD compares: African/African-American, 0.0013%; no homozygotes.

Submissions (2):

GeneDx
Classification: Uncertain significance. Last evaluated: 2024-11-09. Review status: criteria provided, single submitter. Criteria: GeneDx Variant Classification Process June 2021. Collection method: clinical testing. Allele origin: germline. Affected: yes.
Comment: Not observed at significant frequency in large population cohorts (gnomAD); In silico analysis indicates that this missense variant does not alter protein structure/function; Has not been previously published as pathogenic or benign to our knowledge

Labcorp Genetics (formerly Invitae), Labcorp
Classification: Uncertain significance for Benign neonatal seizures. Last evaluated: 2023-09-10. Review status: criteria provided, single submitter. Criteria: Invitae Variant Classification Sherloc (09022015). Collection method: clinical testing. Allele origin: germline.
Comment: This variant has not been reported in the literature in individuals affected with KCNQ3-related conditions. This variant is present in population databases (rs554833870, gnomAD 0.007%). This sequence change replaces glutamine, which is neutral and polar, with proline, which is neutral and non-polar, at codon 653 of the KCNQ3 protein (p.Gln653Pro). Advanced modeling of protein sequence and biophysical properties (such as structural, functional, and spatial information, amino acid conservation, physicochemical variation, residue mobility, and thermodynamic stability) performed at Invitae indicates that this missense variant is not expected to disrupt KCNQ3 protein function. In summary, the available evidence is currently insufficient to determine the role of this variant in disease. Therefore, it has been classified as a Variant of Uncertain Significance.